The following is an entry in ClinVar:

ClinVar aggregate classification (germline): Uncertain significance (1 of 4 stars; one submission).

Conditions:
Inborn genetic diseases. Identifiers: MedGen C0950123, MeSH D030342.

Submission:

Ambry Genetics
Classification: Uncertain significance for Inborn genetic diseases. Last evaluated: 2026-04-24. Review status: criteria provided, single submitter. Criteria: Ambry Variant Classification Scheme 2023. Collection method: clinical testing. Allele origin: germline.
Comment: The p.L795Q variant (also known as c.2384T>A), located in coding exon 1 of the SAMD9 gene, results from a T to A substitution at nucleotide position 2384. The leucine at codon 795 is replaced by glutamine, an amino acid with dissimilar properties. This amino acid position is conserved. In addition, this alteration is predicted to be deleterious by in silico analysis. Based on the available evidence, the clinical significance of this variant remains unclear.

NM_017654.4(SAMD9):c.2384T>A (p.Leu795Gln)

Gene: SAMD9 (sterile alpha motif domain containing 9; minus strand). Cytogenetic location: 7q21.2.
Variant type: single nucleotide variant.
Coding change: c.2384T>A on transcript NM_017654.4 (MANE Select); coding-DNA position 2384, T replaced by A.
Protein change: p.Leu795Gln; replaces leucine 795 with glutamine.
Molecular consequence: missense variant.
Genome position (GRCh38, 1-based): chr7:93,103,714, A>T on the plus strand (T>A on the coding strand, the complement: SAMD9 is on the minus strand). VCF-style: chr7-93103714-A-T. GRCh37 (hg19) VCF-style: chr7-92733027-A-T.
Other names: c.2384T>A, p.Leu795Gln (NM_001193307.2); short protein forms L795Q.
Identifiers: ClinVar variation 4863831 (VCV004863831.1).